The following is an entry in ClinVar:

ClinVar aggregate classification (germline): Uncertain significance (1 of 4 stars; one submission).

gnomAD v4.1: 1 of 1,609,926 alleles (0.000062%); highest among the groups gnomAD compares: Non-Finnish European, 0.000085%; no homozygotes.

Submission:

GeneDx
Classification: Uncertain significance. Last evaluated: 2019-07-20. Review status: criteria provided, single submitter. Criteria: GeneDx Variant Classification Process June 2021. Collection method: clinical testing. Allele origin: germline. Affected: yes.
Comment: Has not been previously published as pathogenic or benign to our knowledge; Not observed in large population cohorts (Lek et al., 2016); In silico analysis, which includes splice predictors and evolutionary conservation, supports a deleterious effect

NM_133433.4(NIPBL):c.4170T>A (p.Val1390=)

Gene: NIPBL (NIPBL cohesin loading factor; plus strand). Cytogenetic location: 5p13.2.
Variant type: single nucleotide variant.
Coding change: c.4170T>A on transcript NM_133433.4 (MANE Select); coding-DNA position 4170, T replaced by A.
Protein change: p.Val1390=; no amino-acid change (valine 1390 retained).
Molecular consequence: synonymous variant.
Genome position (GRCh38, 1-based): chr5:37,007,405, T>A. VCF-style: chr5-37007405-T-A. GRCh37 (hg19) VCF-style: chr5-37007507-T-A.
Other names: c.4170T>A, p.Val1390= (NM_015384.5).
Identifiers: ClinVar variation 1306877 (VCV001306877.2), dbSNP rs1279145652, ClinGen allele CA443904928.
Genomic context (GRCh38, chr5:37,007,405, plus strand): 5'-AAAACGGGCTAAATGTTCTACCCATAAGCAGAGAGTAATAGTAATGCTTTATAACAAAGT[T>A]TGTGACATTGTTAGCAGCTTATCAGAATTGCTAGAGATACAACTTCTTACAGACACAACA-3'
Protein context (NP_597677.2, residues 1380-1400): QRVIVMLYNK[Val1390=]CDIVSSLSEL